The following is an entry in ClinVar:

ClinVar aggregate classification (germline): Uncertain significance (1 of 4 stars; one submission).

Conditions:
Cranium bifidum occultum. Also called: Enlarged Parietal Foramina; CATLIN MARKS; CRANIUM BIFIDUM, HEREDITARY. Identifiers: MedGen C1868598, HP:0004423.

Allele frequency attached by ClinVar (database versions not stated): gnomAD 0.00001; gnomAD exomes 0.00001 and 0.00002; TOPMed 0.00001; ExAC 0.00006.

Submission:

Labcorp Genetics (formerly Invitae), Labcorp
Classification: Uncertain significance for Cranium bifidum occultum. Last evaluated: 2024-08-27. Review status: criteria provided, single submitter. Criteria: Invitae Variant Classification Sherloc (09022015). Collection method: clinical testing. Allele origin: germline.
Comment: This sequence change replaces proline, which is neutral and non-polar, with leucine, which is neutral and non-polar, at codon 26 of the MSX2 protein (p.Pro26Leu). The frequency data for this variant in the population databases is considered unreliable, as metrics indicate poor data quality at this position in the gnomAD database. This variant has not been reported in the literature in individuals affected with MSX2-related conditions. This missense change has been observed in at least one individual who was not affected with MSX2-related conditions (internal data). ClinVar contains an entry for this variant (Variation ID: 1357486). An algorithm developed to predict the effect of missense changes on protein structure and function (PolyPhen-2) suggests that this variant is likely to be tolerated. In summary, the available evidence is currently insufficient to determine the role of this variant in disease. Therefore, it has been classified as a Variant of Uncertain Significance.

NM_002449.5(MSX2):c.77C>T (p.Pro26Leu)

Gene: MSX2 (msh homeobox 2; plus strand). Cytogenetic location: 5q35.2.
Variant type: single nucleotide variant.
Coding change: c.77C>T on transcript NM_002449.5 (MANE Select); coding-DNA position 77, C replaced by T.
Protein change: p.Pro26Leu; replaces proline 26 with leucine.
Molecular consequence: missense variant.
Genome position (GRCh38, 1-based): chr5:174,724,736, C>T. VCF-style: chr5-174724736-C-T. GRCh37 (hg19) VCF-style: chr5-174151739-C-T.
Other names: c.77C>T, p.Pro26Leu (NM_001363626.2); short protein forms P26L.
Identifiers: ClinVar variation 1357486 (VCV001357486.8), dbSNP rs745950729, ClinGen allele CA3565099.
Genomic context (GRCh38, chr5:174,724,736, plus strand): 5'-AAGGCAATGACTTGTTTTCGCCCGACGAGGAGGGCCCAGCAGTGGTGGCCGGACCAGGCC[C>T]GGGGCCTGGGGGCGCCGAGGGGGCCGCGGAGGAGCGCCGCGTCAAGGTCTCCAGCCTGCC-3'
Protein context (NP_002440.2, residues 16-36): EGPAVVAGPG[Pro26Leu]GPGGAEGAAE